The following is an entry in ClinVar:

NM_014244.5(ADAMTS2):c.3088+1del

Gene: ADAMTS2 (ADAM metallopeptidase with thrombospondin type 1 motif 2; minus strand). Cytogenetic location: 5q35.3.
Variant type: Deletion.
Coding change: c.3088+1del on transcript NM_014244.5 (MANE Select); the canonical splice donor site of the intron after coding-DNA position 3088, one base deleted (G; older notation c.3088+1delG).
Molecular consequence: splice donor variant.
Genome position (GRCh38, 1-based): chr5:179,122,643, C deleted on the plus strand (G on the coding strand, the reverse complement: ADAMTS2 is on the minus strand). VCF-style (leftmost placement, unchanged base first): chr5-179122642-AC-A. GRCh37 (hg19) VCF-style: chr5-178549643-AC-A.
Identifiers: ClinVar variation 4730709 (VCV004730709.1).

ClinVar aggregate classification (germline): Likely pathogenic (1 of 4 stars; one submission).

Conditions:
Ehlers-Danlos syndrome, dermatosparaxis type. Also called: Dermatosparaxis; EDS VIIC; Ehlers-Danlos syndrome, type VII, autosomal recessive. Identifiers: Orphanet 1901, MedGen C2700425, MONDO:0009161, OMIM 225410.

Submission:

Labcorp Genetics (formerly Invitae), Labcorp
Classification: Likely pathogenic for Ehlers-Danlos syndrome, dermatosparaxis type. Last evaluated: 2025-11-08. Review status: criteria provided, single submitter. Criteria: Invitae Variant Classification Sherloc (09022015). Collection method: clinical testing. Allele origin: germline.
Comment: This sequence change affects a splice site in intron 20 of the ADAMTS2 gene. It is expected to disrupt RNA splicing. Variants that disrupt the donor or acceptor splice site typically lead to a loss of protein function (PMID: 16199547), and loss-of-function variants in ADAMTS2 are known to be pathogenic (PMID: 10417273). This variant is not present in population databases (gnomAD no frequency). This variant has not been reported in the literature in individuals affected with ADAMTS2-related conditions. Algorithms developed to predict the effect of sequence changes on RNA splicing suggest that this variant may disrupt the consensus splice site. In summary, the currently available evidence indicates that the variant is pathogenic, but additional data are needed to prove that conclusively. Therefore, this variant has been classified as Likely Pathogenic.

Literature cited by the submitters: PubMed 16199547; PubMed 10417273.